The following is an entry in ClinVar:

ClinVar aggregate classification (germline): Uncertain significance (1 of 4 stars; one submission).

gnomAD v4.1: 6 of 1,554,506 alleles (0.00039%); highest among the groups gnomAD compares: East Asian, 0.015%; no homozygotes.

Submission:

Ambry Genetics
Classification: Uncertain significance. Last evaluated: 2024-12-29. Review status: criteria provided, single submitter. Criteria: Ambry Variant Classification Scheme 2023. Collection method: clinical testing. Allele origin: germline.
Comment: The p.A581G variant (also known as c.1742C>G), located in coding exon 7 of the WNK2 gene, results from a C to G substitution at nucleotide position 1742. The alanine at codon 581 is replaced by glycine, an amino acid with similar properties. This amino acid position is conserved. In addition, this alteration is predicted to be tolerated by in silico analysis. Based on the available evidence, the clinical significance of this variant remains unclear.

NM_006648.4(WNK2):c.1742C>G (p.Ala581Gly)

Gene: WNK2 (WNK lysine deficient protein kinase 2; plus strand). Cytogenetic location: 9q22.31.
Variant type: single nucleotide variant.
Coding change: c.1742C>G on transcript NM_006648.4 (MANE Select); coding-DNA position 1742, C replaced by G.
Protein change: p.Ala581Gly; replaces alanine 581 with glycine.
Molecular consequence: missense variant.
Genome position (GRCh38, 1-based): chr9:93,247,742, C>G. VCF-style: chr9-93247742-C-G. GRCh37 (hg19) VCF-style: chr9-96010024-C-G.
Other names: c.1742C>G, p.Ala581Gly (NM_001282394.3); short protein forms A581G.
Identifiers: ClinVar variation 3816658 (VCV003816658.1).